The following is an entry in ClinVar:

ClinVar aggregate classification (germline): Uncertain significance (1 of 4 stars; one submission).

Conditions:
Autoimmune interstitial lung disease-arthritis syndrome. Also called: Autoinflammation and autoimmunity, systemic, with immune dysregulation. Identifiers: Orphanet 444092, MedGen C5975714, MONDO:0014629.

Allele frequency attached by ClinVar (database versions not stated): TOPMed below 0.00001; gnomAD 0.00001.
gnomAD v4.1: 1 of 1,603,478 alleles (0.000062%); highest among the groups gnomAD compares: Non-Finnish European, 0.000085%; no homozygotes.

Submission:

Labcorp Genetics (formerly Invitae), Labcorp
Classification: Uncertain significance for Autoimmune interstitial lung disease-arthritis syndrome. Last evaluated: 2022-12-31. Review status: criteria provided, single submitter. Criteria: Invitae Variant Classification Sherloc (09022015). Collection method: clinical testing. Allele origin: germline.
Comment: This sequence change affects codon 479 of the COPA mRNA. It is a 'silent' change, meaning that it does not change the encoded amino acid sequence of the COPA protein. This variant is not present in population databases (gnomAD no frequency). This variant has not been reported in the literature in individuals affected with COPA-related conditions. Algorithms developed to predict the effect of sequence changes on RNA splicing suggest that this variant may disrupt the consensus splice site. In summary, the available evidence is currently insufficient to determine the role of this variant in disease. Therefore, it has been classified as a Variant of Uncertain Significance.

NM_004371.4(COPA):c.1437G>A (p.Gln479=)

Gene: COPA (coat protein complex I subunit alpha; minus strand). Cytogenetic location: 1q23.2.
Variant type: single nucleotide variant.
Coding change: c.1437G>A on transcript NM_004371.4 (MANE Select); coding-DNA position 1437, G replaced by A.
Protein change: p.Gln479=; no amino-acid change (glutamine 479 retained).
Molecular consequence: synonymous variant.
Genome position (GRCh38, 1-based): chr1:160,306,359, C>T on the plus strand (G>A on the coding strand, the complement: COPA is on the minus strand). VCF-style: chr1-160306359-C-T. GRCh37 (hg19) VCF-style: chr1-160276149-C-T.
Other names: c.1437G>A, p.Gln479= (NM_001098398.2).
Identifiers: ClinVar variation 3007491 (VCV003007491.3), dbSNP rs1658785537, ClinGen allele CA421352332.